The following is an entry in ClinVar:

ClinVar aggregate classification (germline): Benign. Review status: criteria provided, multiple submitters, no conflicts (2 of 4 stars). 2 submissions from 2 submitters: Benign (2). Last evaluated 2026-01-26.

Conditions:
Immunodeficiency, common variable, 2 (CVID2). Also called: ANTIBODY DEFICIENCY DUE TO TACI DEFECT; HYPOGAMMAGLOBULINEMIA DUE TO TACI DEFICIENCY. Identifiers: Orphanet 1572, MedGen C3150354, MONDO:0009413, OMIM 240500.

Submissions (2):

Labcorp Genetics (formerly Invitae), Labcorp
Classification: Benign for Immunodeficiency, common variable, 2. Last evaluated: 2026-01-26. Review status: criteria provided, single submitter. Criteria: Invitae Variant Classification Sherloc (09022015). Collection method: clinical testing. Allele origin: germline.

Women's Health and Genetics/Laboratory Corporation of America, LabCorp
Classification: Benign. Last evaluated: 2022-04-26. Review status: criteria provided, single submitter. Criteria: LabCorp Variant Classification Summary - May 2015. Collection method: clinical testing. Allele origin: germline.
Comment: Variant summary: TNFRSF13B c.*86_*88delTGA is located in the untranslated mRNA region downstream of the termination codon. The variant allele was found at a frequency of 0.04 in 31156 control chromosomes in the gnomAD database, including 49 homozygotes. The observed variant frequency is approximately 14076 fold of the estimated maximal expected allele frequency for a pathogenic variant in TNFRSF13B causing Common Variable Immunodeficiency phenotype (2.9e-06), strongly suggesting that the variant is benign. To our knowledge, no occurrence of c.*86_*88delTGA in individuals affected with Common Variable Immunodeficiency and no experimental evidence demonstrating its impact on protein function have been reported. One clinical diagnostic laboratory has submitted clinical-significance assessments for this variant to ClinVar after 2014 without evidence for independent evaluation and classified the variant as benign. Based on the evidence outlined above, the variant was classified as benign.

NM_012452.3(TNFRSF13B):c.*86_*88del

Gene: TNFRSF13B (TNF receptor superfamily member 13B; minus strand). Cytogenetic location: 17p11.2.
Variant type: Deletion.
Coding change: c.*86_*88del on transcript NM_012452.3 (MANE Select); 86 bases downstream of the stop codon through 88 bases downstream of the stop codon, 3 bases deleted (TGA; older notation c.*86_*88delTGA).
Molecular consequence: 3 prime UTR variant.
Genome position (GRCh38, 1-based): chr17:16,939,459-16,939,461, TCA deleted on the plus strand (TGA on the coding strand, the reverse complement: TNFRSF13B is on the minus strand); deleting any 3 consecutive bases within chr17:16,939,459-16,939,462 gives the same sequence; the c. name uses the placement nearest the transcript's 3' end. VCF-style (leftmost placement, unchanged base first): chr17-16939458-CTCA-C. GRCh37 (hg19) VCF-style: chr17-16842772-CTCA-C.
Other names: c.*86_*88delTGA (NM_012452.2).
Identifiers: ClinVar variation 36880 (VCV000036880.10), dbSNP rs150068036, ClinGen allele CA214381.